The following is an entry in ClinVar:

NM_020738.4(KIDINS220):c.4814A>T (p.Asp1605Val)

Gene: KIDINS220 (kinase D interacting substrate 220; minus strand). Cytogenetic location: 2p25.1.
Variant type: single nucleotide variant.
Coding change: c.4814A>T on transcript NM_020738.4 (MANE Select); coding-DNA position 4814, A replaced by T.
Protein change: p.Asp1605Val; replaces aspartic acid 1605 with valine.
Molecular consequence: missense variant. On other transcripts: intron variant (6).
Genome position (GRCh38, 1-based): chr2:8,731,222, T>A on the plus strand (A>T on the coding strand, the complement: KIDINS220 is on the minus strand). VCF-style: chr2-8731222-T-A. GRCh37 (hg19) VCF-style: chr2-8871352-T-A.
Other names: c.4817A>T, p.Asp1606Val (NM_001348729.2); c.4760A>T, p.Asp1587Val (NM_001348731.2); c.4757A>T, p.Asp1586Val (NM_001348732.2); c.4646A>T, p.Asp1549Val (NM_001348734.2); c.4643A>T, p.Asp1548Val (NM_001348735.2); c.4517A>T, p.Asp1506Val (NM_001348736.2); c.3882+2222A>T (NM_001348741.2, NM_001348742.2, NM_001348743.2); c.3996+2222A>T (NM_001348738.2); and 1 more; short protein forms D1548V, D1549V, D1606V, D1587V, D1506V, D1586V, D1605V.
Identifiers: ClinVar variation 4992835 (VCV004992835.1).

ClinVar aggregate classification (germline): Uncertain significance (1 of 4 stars; one submission).

Conditions:
KIDINS220-related disorder. Also called: KIDINS220-related condition.

Submission:

PreventionGenetics, part of Exact Sciences
Classification: Uncertain significance for KIDINS220-related condition. Last evaluated: 2025-12-07. Review status: criteria provided, single submitter. Criteria: ACMG Guidelines, 2015. Collection method: clinical testing. Allele origin: germline.
Comment: The KIDINS220 c.4814A>T variant is predicted to result in the amino acid substitution p.Asp1605Val. To our knowledge, this variant has not been reported in the literature or in a large population database (gnomAD), indicating this variant is rare. At this time, the clinical significance of this variant is uncertain due to the absence of conclusive functional and genetic evidence.